The following is an entry in ClinVar:

ClinVar aggregate classification (germline): Pathogenic/Likely pathogenic. Review status: criteria provided, multiple submitters, no conflicts (2 of 4 stars). 2 submissions from 2 submitters: Pathogenic (1); Likely pathogenic (1). Last evaluated 2022-05-31.

Conditions:
Congenital sideroblastic anemia-B-cell immunodeficiency-periodic fever-developmental delay syndrome. Also called: Sideroblastic anemia with B-cell immunodeficiency, periodic fevers, and developmental delay. Identifiers: Orphanet 369861, MedGen C4015172, MONDO:0014487, OMIM 616084.
TRNT1-related disorder. Also called: TRNT1-related disorders; TRNT1-related condition.

Submissions (2):

Blueprint Genetics
Classification: Likely pathogenic for TRNT1-related disorders. Last evaluated: 2022-05-31. Review status: criteria provided, single submitter. Criteria: ACMG Guidelines, 2015. Collection method: clinical testing. Allele origin: germline. Affected: yes. Observed: 1 variant allele.

Labcorp Genetics (formerly Invitae), Labcorp
Classification: Pathogenic for Congenital sideroblastic anemia-B-cell immunodeficiency-periodic fever-developmental delay syndrome. Last evaluated: 2021-11-11. Review status: criteria provided, single submitter. Criteria: Invitae Variant Classification Sherloc (09022015). Collection method: clinical testing. Allele origin: germline.
Comment: Variants that disrupt the consensus splice site are a relatively common cause of aberrant splicing (PMID: 17576681, 9536098). Algorithms developed to predict the effect of sequence changes on RNA splicing suggest that this variant may disrupt the consensus splice site. For these reasons, this variant has been classified as Pathogenic. This variant disrupts a region of the TRNT1 protein in which other variant(s) (p.Ser418Lysfs*9) have been determined to be pathogenic (PMID: 25193871, 26494905, 29358286). This suggests that this is a clinically significant region of the protein, and that variants that disrupt it are likely to be disease-causing. This variant has not been reported in the literature in individuals affected with TRNT1-related conditions. This variant is present in population databases (rs770760147, gnomAD 0.003%). This variant results in the deletion of part of exon 7 (c.1055_1056+5del) of the TRNT1 gene. While this variant is not anticipated to result in nonsense mediated decay, it likely alters RNA splicing and results in a disrupted protein product.

Literature cited by the submitters: PubMed 17576681 (cited by Labcorp Genetics (formerly Invitae), Labcorp); PubMed 9536098 (cited by Labcorp Genetics (formerly Invitae), Labcorp); PubMed 25193871 (cited by Labcorp Genetics (formerly Invitae), Labcorp); PubMed 26494905 (cited by Labcorp Genetics (formerly Invitae), Labcorp); PubMed 29358286 (cited by Labcorp Genetics (formerly Invitae), Labcorp).

NM_182916.3(TRNT1):c.1055_1056+5del

Gene: TRNT1 (tRNA nucleotidyl transferase 1; plus strand). Cytogenetic location: 3p26.2.
Variant type: Deletion.
Coding change: c.1055_1056+5del on transcript NM_182916.3 (MANE Select); coding-DNA position 1055 through 5 bases into the intron after coding-DNA position 1056, 7 bases deleted (ATGTAAG; older notation c.1055_1056+5delATGTAAG).
Molecular consequence: splice donor variant.
Genome position (GRCh38, 1-based): chr3:3,147,702-3,147,708, ATGTAAG deleted; deleting any 7 consecutive bases within chr3:3,147,700-3,147,708 gives the same sequence; the c. name uses the placement nearest the transcript's 3' end. VCF-style (leftmost placement, unchanged base first): chr3-3147699-TAGATGTA-T. GRCh37 (hg19) VCF-style: chr3-3189383-TAGATGTA-T.
Other names: c.1055_1056+5del (NM_001367321.1, NM_001367323.1, NM_001367322.1); c.995_996+5del (NM_001302946.2).
Identifiers: ClinVar variation 1370253 (VCV001370253.7), dbSNP rs770760147, ClinGen allele CA2228853.